The following is an entry in ClinVar:

NM_001040616.3(LINS1):c.1981C>G (p.Gln661Glu)

Gene: LINS1 (lines homolog 1; minus strand). Cytogenetic location: 15q26.3.
Variant type: single nucleotide variant.
Coding change: c.1981C>G on transcript NM_001040616.3 (MANE Select); coding-DNA position 1981, C replaced by G.
Protein change: p.Gln661Glu; replaces glutamine 661 with glutamic acid.
Molecular consequence: missense variant. On other transcripts: non-coding transcript variant (3).
Genome position (GRCh38, 1-based): chr15:100,569,531, G>C on the plus strand (C>G on the coding strand, the complement: LINS1 is on the minus strand). VCF-style: chr15-100569531-G-C. GRCh37 (hg19) VCF-style: chr15-101109736-G-C.
Other names: c.1234C>G, p.Gln412Glu (NM_001352507.2); c.1828C>G, p.Gln610Glu (NM_001352508.2); short protein forms Q661E, Q412E, Q610E.
Identifiers: ClinVar variation 588691 (VCV000588691.5), dbSNP rs779605614, ClinGen allele CA7759293.

ClinVar aggregate classification (germline): Uncertain significance (1 of 4 stars; one submission).

Conditions:
Inborn genetic diseases. Identifiers: MedGen C0950123, MeSH D030342.

Allele frequency attached by ClinVar (database versions not stated): gnomAD 0.00001 and 0.00003; TOPMed 0.00003.

Submission:

Ambry Genetics
Classification: Uncertain significance for Inborn genetic diseases. Last evaluated: 2017-01-17. Review status: criteria provided, single submitter. Criteria: Ambry Variant Classification Scheme 2023. Collection method: clinical testing. Allele origin: germline.
Comment: The p.Q661E variant (also known as c.1981C>G), located in coding exon 6 of the LINS gene, results from a C to G substitution at nucleotide position 1981. The glutamine at codon 661 is replaced by glutamic acid, an amino acid with highly similar properties. This amino acid position is not well conserved in available vertebrate species. In addition, this alteration is predicted to be tolerated by in silico analysis. Since supporting evidence is limited at this time, the clinical significance of this alteration remains unclear.